The following is an entry in ClinVar:

NC_000011.10:g.2001397T>G

Genes: H19 (H19 imprinted maternally expressed transcript; minus strand), H19-ICR (H19/IGF2 imprinting control region; plus strand), MRPL23 (mitochondrial ribosomal protein L23; plus strand). Cytogenetic location: 11p15.5.
Variant type: single nucleotide variant.
Molecular consequence: intron variant (on NM_001400176.1).
Genome position: GRCh38 VCF-style: chr11-2001397-T-G. GRCh37 (hg19) VCF-style: chr11-2022627-T-G.
Other names: c.498-10144T>G (NM_001400176.1).
Identifiers: ClinVar variation 3032748 (VCV003032748.2), dbSNP rs111265160, ClinGen allele CA216220910.

ClinVar aggregate classification (germline): Likely benign (0 of 4 stars; one submission).

Conditions:
H19-related disorder. Also called: H19-related condition.

Submission:

PreventionGenetics, part of Exact Sciences
Classification: Likely benign for H19-related condition. Last evaluated: 2022-04-28. Review status: no assertion criteria provided. Collection method: clinical testing. Allele origin: germline.
Comment: This variant is classified as likely benign based on ACMG/AMP sequence variant interpretation guidelines (Richards et al. 2015 PMID: 25741868, with internal and published modifications).